The following is an entry in ClinVar:

ClinVar aggregate classification (germline): Uncertain significance (1 of 4 stars; one submission).

gnomAD v4.1: 30 of 1,612,232 alleles (0.0019%); highest among the groups gnomAD compares: Middle Eastern, 0.099%; no homozygotes.

Submission:

Labcorp Genetics (formerly Invitae), Labcorp
Classification: Uncertain significance. Last evaluated: 2026-01-14. Review status: criteria provided, single submitter. Criteria: Invitae Variant Classification Sherloc (09022015). Collection method: clinical testing. Allele origin: germline.
Comment: This sequence change replaces isoleucine, which is neutral and non-polar, with threonine, which is neutral and polar, at codon 610 of the ABCB11 protein (p.Ile610Thr). This variant is present in population databases (rs765999088, gnomAD 0.003%). This variant has not been reported in the literature in individuals affected with ABCB11-related conditions. Invitae Evidence Modeling of protein sequence and biophysical properties (such as structural, functional, and spatial information, amino acid conservation, physicochemical variation, residue mobility, and thermodynamic stability) indicates that this missense variant is not expected to disrupt ABCB11 protein function with a negative predictive value of 95%. In summary, the available evidence is currently insufficient to determine the role of this variant in disease. Therefore, it has been classified as a Variant of Uncertain Significance.

NM_003742.4(ABCB11):c.1829T>C (p.Ile610Thr)

Gene: ABCB11 (ATP binding cassette subfamily B member 11; minus strand). Cytogenetic location: 2q31.1.
Variant type: single nucleotide variant.
Coding change: c.1829T>C on transcript NM_003742.4 (MANE Select); coding-DNA position 1829, T replaced by C.
Protein change: p.Ile610Thr; replaces isoleucine 610 with threonine.
Molecular consequence: missense variant.
Genome position (GRCh38, 1-based): chr2:168,969,532, A>G on the plus strand (T>C on the coding strand, the complement: ABCB11 is on the minus strand). VCF-style: chr2-168969532-A-G. GRCh37 (hg19) VCF-style: chr2-169826042-A-G.
Other names: short protein forms I610T.
Identifiers: ClinVar variation 4739574 (VCV004739574.1).